The following is an entry in ClinVar:

NM_181861.2(APAF1):c.1077T>C (p.Tyr359=)

Gene: APAF1 (apoptotic peptidase activating factor 1; plus strand). Cytogenetic location: 12q23.1.
Variant type: single nucleotide variant.
Coding change: c.1077T>C on transcript NM_181861.2 (MANE Select); coding-DNA position 1077, T replaced by C.
Protein change: p.Tyr359=; no amino-acid change (tyrosine 359 retained).
Molecular consequence: synonymous variant. On other transcripts: intron variant (1).
Genome position (GRCh38, 1-based): chr12:98,665,674, T>C. VCF-style: chr12-98665674-T-C. GRCh37 (hg19) VCF-style: chr12-99059452-T-C.
Other names: c.1044T>C, p.Tyr348= (NM_001160.3, NM_013229.3); c.1077T>C, p.Tyr359= (NM_181868.2); c.955+2868T>C (NM_181869.2).
Identifiers: ClinVar variation 773029 (VCV000773029.7), dbSNP rs57171247, ClinGen allele CA6733892.

ClinVar aggregate classification (germline): Benign. Review status: criteria provided, multiple submitters, no conflicts (2 of 4 stars). 3 submissions from 3 submitters: Benign (2). 1 of the submissions does not count toward it. Last evaluated 2019-12-31.

Conditions:
APAF1-related disorder. Also called: APAF1-related condition.

Allele frequency attached by ClinVar (database versions not stated): gnomAD exomes 0.00239 and 0.00636; ExAC 0.00765; gnomAD 0.02448 and 0.02625; 1000 Genomes Project 0.02676; TOPMed 0.02810; ESP Exome Variant Server 0.02845; 1000 Genomes Project 30x 0.02951.
gnomAD v4.1: 7,329 of 1,613,998 alleles (0.45%); highest among the groups gnomAD compares: African/African-American, 8.6%; 266 homozygotes.

Submissions (3):

Labcorp Genetics (formerly Invitae), Labcorp
Classification: Benign. Last evaluated: 2019-12-31. Review status: criteria provided, single submitter. Criteria: Invitae Variant Classification Sherloc (09022015). Collection method: clinical testing. Allele origin: germline.

Breakthrough Genomics
Classification: Benign. Review status: criteria provided, single submitter. Criteria: ACMG Guidelines, 2015. Collection method: not provided. Allele origin: germline. Inheritance: Unknown mechanism. Affected: yes.

PreventionGenetics, part of Exact Sciences
Classification: Benign for APAF1-related condition. Last evaluated: 2019-02-21. Review status: no assertion criteria provided. Collection method: clinical testing. Allele origin: germline. Not counted in ClinVar's aggregate classification.
Comment: This variant is classified as benign based on ACMG/AMP sequence variant interpretation guidelines (Richards et al. 2015 PMID: 25741868, with internal and published modifications).